The following is an entry in ClinVar:

NM_001267550.2(TTN):c.41213G>A (p.Gly13738Asp)

Gene: TTN (titin; minus strand). Cytogenetic location: 2q31.2.
Variant type: single nucleotide variant.
Coding change: c.41213G>A on transcript NM_001267550.2 (MANE Select); coding-DNA position 41213, G replaced by A.
Protein change: p.Gly13738Asp; replaces glycine 13738 with aspartic acid.
Molecular consequence: missense variant.
Genome position (GRCh38, 1-based): chr2:178,636,514, C>T on the plus strand (G>A on the coding strand, the complement: TTN is on the minus strand). VCF-style: chr2-178636514-C-T. GRCh37 (hg19) VCF-style: chr2-179501241-C-T.
Other names: c.36290G>A, p.Gly12097Asp (NM_001256850.1); c.14018G>A, p.Gly4673Asp (NM_003319.4); c.33509G>A, p.Gly11170Asp (NM_133378.4); c.14393G>A, p.Gly4798Asp (NM_133432.3); c.14594G>A, p.Gly4865Asp (NM_133437.4); short protein forms G11170D, G12097D, G13738D, G4673D, G4798D, G4865D.
Identifiers: ClinVar variation 3063815 (VCV003063815.1), dbSNP rs2471631577, ClinGen allele CA349661102.

ClinVar aggregate classification (germline): Uncertain significance (1 of 4 stars; one submission).

Submission:

Women's Health and Genetics/Laboratory Corporation of America, LabCorp
Classification: Uncertain significance. Last evaluated: 2024-01-08. Review status: criteria provided, single submitter. Criteria: LabCorp Variant Classification Summary - May 2015. Collection method: clinical testing. Allele origin: germline.
Comment: Variant summary: TTN c.33509G>A (p.Gly11170Asp) results in a non-conservative amino acid change located in the I-band domain of the encoded protein sequence. Three of four in-silico tools predict a damaging effect of the variant on protein function. The variant was absent in 248292 control chromosomes. The available data on variant occurrences in the general population are insufficient to allow any conclusion about variant significance. To our knowledge, no occurrence of c.33509G>A in individuals affected with Limb-Girdle Muscular Dystrophy, Type 2J and no experimental evidence demonstrating its impact on protein function have been reported. No submitters have cited clinical-significance assessments for this variant to ClinVar. Based on the evidence outlined above, the variant was classified as uncertain significance.